The following is an entry in ClinVar:

ClinVar aggregate classification (germline): Benign. Review status: criteria provided, multiple submitters, no conflicts (2 of 4 stars). 6 submissions from 6 submitters: Benign (6). Last evaluated 2026-02-01.

Conditions:
Imerslund-Grasbeck syndrome type 1 (IGS1). Also called: Megaloblastic anemia 1, Finnish type; MEGALOBLASTIC ANEMIA, 1; Imerslund-Gräsbeck syndrome 1. Identifiers: MedGen C4016819, MONDO:0100156, OMIM 261100.
Imerslund-Grasbeck syndrome. Also called: Megaloblastic anemia due to inborn errors of metabolism; Imerslund-Gräsbeck syndrome; ENTEROCYTE COBALAMIN MALABSORPTION; ENTEROCYTE INTRINSIC FACTOR RECEPTOR, DEFECT OF; PERNICIOUS ANEMIA, JUVENILE, DUE TO SELECTIVE INTESTINAL MALABSORPTION OF VITAMIN B12, WITH PROTEINURIA. Identifiers: Orphanet 35858, MedGen C4551825, MONDO:0009853.
Proteinuria, chronic benign. Identifiers: MedGen C5394384, MONDO:0030042, OMIM 618884.

Allele frequency attached by ClinVar (database versions not stated): TOPMed 0.05890; 1000 Genomes Project 30x 0.06059; 1000 Genomes Project 0.06090; ESP Exome Variant Server 0.06151.
gnomAD v4.1: 16,270 of 1,613,902 alleles (1%); highest among the groups gnomAD compares: African/African-American, 19%; 1,360 homozygotes.

Submissions (6):

Labcorp Genetics (formerly Invitae), Labcorp
Classification: Benign for Imerslund-Grasbeck syndrome. Last evaluated: 2026-02-01. Review status: criteria provided, single submitter. Criteria: Invitae Variant Classification Sherloc (09022015). Collection method: clinical testing. Allele origin: germline.

Mayo Clinic Laboratories, Mayo Clinic
Classification: Benign. Last evaluated: 2022-03-09. Review status: criteria provided, single submitter. Criteria: ACMG Guidelines, 2015. Collection method: clinical testing. Allele origin: germline. Observed: 19 variant alleles.

Fulgent Genetics
Classification: Benign for Imerslund-Grasbeck syndrome type 1; Proteinuria, chronic benign. Last evaluated: 2021-12-18. Review status: criteria provided, single submitter. Criteria: ACMG Guidelines, 2015. Collection method: clinical testing. Allele origin: unknown.

GeneDx
Classification: Benign. Last evaluated: 2019-02-22. Review status: criteria provided, single submitter. Criteria: GeneDx Variant Classification Process June 2021. Collection method: clinical testing. Allele origin: germline. Affected: yes.

Illumina Laboratory Services, Illumina
Classification: Benign for Imerslund-Grasbeck syndrome type 1. Last evaluated: 2018-01-13. Review status: criteria provided, single submitter. Criteria: ICSL Variant Classification Criteria 13 December 2019. Collection method: clinical testing. Allele origin: germline.
Comment: This variant was observed in the ICSL laboratory as part of a predisposition screen in an ostensibly healthy population. It had not been previously curated by ICSL or reported in the Human Gene Mutation Database (HGMD: prior to June 1st, 2018), and was therefore a candidate for classification through an automated scoring system. Utilizing variant allele frequency, disease prevalence and penetrance estimates, and inheritance mode, an automated score was calculated to assess if this variant is too frequent to cause the disease. Based on the score and internal cut-off values, a variant classified as benign is not then subjected to further curation. The score for this variant resulted in a classification of benign for this disease.

Breakthrough Genomics
Classification: Benign. Review status: criteria provided, single submitter. Criteria: ACMG Guidelines, 2015. Collection method: not provided. Allele origin: germline. Inheritance: Autosomal recessive inheritance. Affected: yes.

NM_001081.4(CUBN):c.5305G>A (p.Val1769Ile)

Gene: CUBN (cubilin; minus strand). Cytogenetic location: 10p13.
Variant type: single nucleotide variant.
Coding change: c.5305G>A on transcript NM_001081.4 (MANE Select); coding-DNA position 5305, G replaced by A.
Protein change: p.Val1769Ile; replaces valine 1769 with isoleucine.
Molecular consequence: missense variant.
Genome position (GRCh38, 1-based): chr10:16,947,272, C>T on the plus strand (G>A on the coding strand, the complement: CUBN is on the minus strand). VCF-style: chr10-16947272-C-T. GRCh37 (hg19) VCF-style: chr10-16989271-C-T.
Other names: short protein forms V1769I.
Identifiers: ClinVar variation 299464 (VCV000299464.18), dbSNP rs74116778, ClinGen allele CA5424056.